The following is an entry in ClinVar:

NM_000159.4(GCDH):c.1083-106T>C

Gene: GCDH (glutaryl-CoA dehydrogenase; plus strand). Cytogenetic location: 19p13.13.
Variant type: single nucleotide variant.
Coding change: c.1083-106T>C on transcript NM_000159.4 (MANE Select); 106 bases into the intron before coding-DNA position 1083, T replaced by C.
Molecular consequence: intron variant.
Genome position (GRCh38, 1-based): chr19:12,897,597, T>C. VCF-style: chr19-12897597-T-C. GRCh37 (hg19) VCF-style: chr19-13008411-T-C.
Other names: c.1083-106T>C (NM_013976.5).
Identifiers: ClinVar variation 676309 (VCV000676309.2), dbSNP rs114299840, ClinGen allele CA14730413.

ClinVar aggregate classification (germline): Benign. Review status: criteria provided, multiple submitters, no conflicts (2 of 4 stars). 2 submissions from 2 submitters: Benign (2). Last evaluated 2018-06-14.

Allele frequency attached by ClinVar (database versions not stated): 1000 Genomes Project 0.02556; 1000 Genomes Project 30x 0.02670; gnomAD 0.02675 and 0.02933; TOPMed 0.03025.

Submissions (2):

GeneDx
Classification: Benign. Last evaluated: 2018-06-14. Review status: criteria provided, single submitter. Criteria: GeneDx Variant Classification (06012015). Collection method: clinical testing. Allele origin: germline. Affected: yes.
Comment: This variant is considered likely benign or benign based on one or more of the following criteria: it is a conservative change, it occurs at a poorly conserved position in the protein, it is predicted to be benign by multiple in silico algorithms, and/or has population frequency not consistent with disease.

Breakthrough Genomics
Classification: Benign. Review status: criteria provided, single submitter. Criteria: ACMG Guidelines, 2015. Collection method: not provided. Allele origin: germline. Inheritance: Autosomal recessive inheritance. Affected: yes.